The following is an entry in ClinVar:

NM_017514.5(PLXNA3):c.662C>T (p.Ala221Val)

Gene: PLXNA3 (plexin A3; plus strand). Cytogenetic location: Xq28.
Variant type: single nucleotide variant.
Coding change: c.662C>T on transcript NM_017514.5 (MANE Select); coding-DNA position 662, C replaced by T.
Protein change: p.Ala221Val; replaces alanine 221 with valine.
Molecular consequence: missense variant.
Genome position (GRCh38, 1-based): chrX:154,461,166, C>T. VCF-style: chrX-154461166-C-T. GRCh37 (hg19) VCF-style: chrX-153689506-C-T.
Other names: short protein forms A221V.
Identifiers: ClinVar variation 2357039 (VCV002357039.5), dbSNP rs369159707, ClinGen allele CA10563776.

ClinVar aggregate classification (germline): Uncertain significance. Review status: criteria provided, multiple submitters, no conflicts (2 of 4 stars). 2 submissions from 2 submitters: Uncertain significance (2). Last evaluated 2026-07-07.

Conditions:
PLXNA3-related disorder. Also called: PLXNA3-related condition.

Allele frequency attached by ClinVar (database versions not stated): ExAC 0.00003; TOPMed 0.00004; gnomAD 0.00006; ESP Exome Variant Server 0.00009; gnomAD exomes 0.00012.

Submissions (2):

PreventionGenetics, part of Exact Sciences
Classification: Uncertain significance for PLXNA3-related condition. Last evaluated: 2026-07-07. Review status: criteria provided, single submitter. Criteria: ACMG Guidelines, 2015. Collection method: clinical testing. Allele origin: germline.
Comment: The PLXNA3 c.662C>T variant is predicted to result in the amino acid substitution p.Ala221Val. To our knowledge, this variant has not been reported in the literature. This variant is reported in 0.0086% of alleles in individuals of European (Non-Finnish) descent in gnomAD. At this time, the clinical significance of this variant is uncertain due to the absence of conclusive functional and genetic evidence.

Ambry Genetics
Classification: Uncertain significance. Last evaluated: 2025-08-10. Review status: criteria provided, single submitter. Criteria: Ambry Variant Classification Scheme 2023. Collection method: clinical testing. Allele origin: germline.